The following is an entry in ClinVar:

NM_003803.4(MYOM1):c.2177C>G (p.Ala726Gly)

Gene: MYOM1 (myomesin 1; minus strand). Cytogenetic location: 18p11.31.
Variant type: single nucleotide variant.
Coding change: c.2177C>G on transcript NM_003803.4 (MANE Select); coding-DNA position 2177, C replaced by G.
Protein change: p.Ala726Gly; replaces alanine 726 with glycine.
Molecular consequence: missense variant.
Genome position (GRCh38, 1-based): chr18:3,135,579, G>C on the plus strand (C>G on the coding strand, the complement: MYOM1 is on the minus strand). VCF-style: chr18-3135579-G-C. GRCh37 (hg19) VCF-style: chr18-3135577-G-C.
Other names: c.2177C>G, p.Ala726Gly (NM_019856.2); short protein forms A726G.
Identifiers: ClinVar variation 3022077 (VCV003022077.3), dbSNP rs376352841, ClinGen allele CA8874725.

ClinVar aggregate classification (germline): Uncertain significance (1 of 4 stars; one submission).

Conditions:
Hypertrophic cardiomyopathy. Also called: HYPERTROPHIC MYOCARDIOPATHY. Identifiers: Orphanet 217569, MedGen C0007194, MeSH D002312, MONDO:0005045, HP:0001639.

Allele frequency attached by ClinVar (database versions not stated): gnomAD exomes below 0.00001; TOPMed below 0.00001; ExAC 0.00001; ESP Exome Variant Server 0.00008.
gnomAD v4.1: 3 of 1,613,562 alleles (0.00019%); highest among the groups gnomAD compares: Non-Finnish European, 0.00025%; no homozygotes.

Submission:

Labcorp Genetics (formerly Invitae), Labcorp
Classification: Uncertain significance for Hypertrophic cardiomyopathy. Last evaluated: 2023-05-30. Review status: criteria provided, single submitter. Criteria: Invitae Variant Classification Sherloc (09022015). Collection method: clinical testing. Allele origin: germline.
Comment: In summary, the available evidence is currently insufficient to determine the role of this variant in disease. Therefore, it has been classified as a Variant of Uncertain Significance. Advanced modeling of protein sequence and biophysical properties (such as structural, functional, and spatial information, amino acid conservation, physicochemical variation, residue mobility, and thermodynamic stability) performed at Invitae indicates that this missense variant is not expected to disrupt MYOM1 protein function. This variant has not been reported in the literature in individuals affected with MYOM1-related conditions. This variant is present in population databases (rs376352841, gnomAD 0.0009%). This sequence change replaces alanine, which is neutral and non-polar, with glycine, which is neutral and non-polar, at codon 726 of the MYOM1 protein (p.Ala726Gly).